The following is an entry in ClinVar:

NM_007254.4(PNKP):c.-13-20C>T

Gene: PNKP (polynucleotide kinase 3'-phosphatase; minus strand). Cytogenetic location: 19q13.33.
Variant type: single nucleotide variant.
Coding change: c.-13-20C>T on transcript NM_007254.4 (MANE Select); 20 bases into the intron before 13 bases upstream of the start codon, C replaced by T.
Molecular consequence: intron variant.
Genome position (GRCh38, 1-based): chr19:49,867,237, G>A on the plus strand (C>T on the coding strand, the complement: PNKP is on the minus strand). VCF-style: chr19-49867237-G-A. GRCh37 (hg19) VCF-style: chr19-50370494-G-A.
Identifiers: ClinVar variation 388050 (VCV000388050.1), dbSNP rs369527946, ClinGen allele CA9587118.
Genomic context (GRCh38, chr19:49,867,237, plus strand): 5'-AGCGGCCCGGGGCCTCCACCTCGCCCATCCTGGGTGCCGGCCTGGGGAGCAGGTAAACGG[G>A]CTTGAGCGGCGCACAGCCCCAATTTGCTGCAGGAAGTCCCGCCTCCTCCCACATCCACTA-3'

ClinVar aggregate classification (germline): Likely benign (1 of 4 stars; one submission).

Allele frequency attached by ClinVar (database versions not stated): TOPMed 0.00018 and 0.00014; gnomAD 0.00006 and 0.00016; ESP Exome Variant Server 0.00016; gnomAD exomes 0.00008; ExAC 0.00012.

Submission:

GeneDx
Classification: Likely benign. Last evaluated: 2016-07-22. Review status: criteria provided, single submitter. Criteria: GeneDx Variant Classification (06012015). Collection method: clinical testing. Allele origin: germline. Affected: yes.
Comment: This variant is considered likely benign or benign based on one or more of the following criteria: it is a conservative change, it occurs at a poorly conserved position in the protein, it is predicted to be benign by multiple in silico algorithms, and/or has population frequency not consistent with disease.